The following is an entry in ClinVar:

NM_005422.4(TECTA):c.56A>G (p.Gln19Arg)

Genes: TBCEL-TECTA (TBCEL-TECTA readthrough; plus strand), TECTA (tectorin alpha; plus strand). Cytogenetic location: 11q23.3.
Variant type: single nucleotide variant.
Coding change: c.56A>G on transcript NM_005422.4 (MANE Select); coding-DNA position 56, A replaced by G.
Protein change: p.Gln19Arg; replaces glutamine 19 with arginine.
Molecular consequence: missense variant.
Genome position (GRCh38, 1-based): chr11:121,102,721, A>G. VCF-style: chr11-121102721-A-G. GRCh37 (hg19) VCF-style: chr11-120973430-A-G.
Other names: c.1013A>G, p.Gln338Arg (NM_001378761.1); short protein forms Q19R, Q338R.
Identifiers: ClinVar variation 45339 (VCV000045339.19), dbSNP rs35507522, ClinGen allele CA136067.
Genomic context (GRCh38, chr11:121,102,721, plus strand): 5'-CCAGGATGAATTATTCATCATTCCTTAGAATTTGGGTCTCTTTCATCTTCGCACTTGTAC[A>G]GCACCAAGGTGAGTACTACAGAATTCCATAAAGCTCTCAGTTAGCATGCTCTTGAATTGA-3'
Protein context (NP_005413.2, residues 9-29): IWVSFIFALV[Gln19Arg]HQAQPRELMY

ClinVar aggregate classification (germline): Benign/Likely benign. Review status: criteria provided, multiple submitters, no conflicts (2 of 4 stars). 8 submissions from 7 submitters: Benign (6); Likely benign (2). Last evaluated 2026-02-01.

Conditions:
Autosomal recessive nonsyndromic hearing loss 21. Identifiers: Orphanet 90636, MedGen C1863655, MONDO:0011351, OMIM 603629.
Autosomal dominant nonsyndromic hearing loss 12. Also called: DEAFNESS, AUTOSOMAL DOMINANT 8. Identifiers: Orphanet 90635, MedGen C1832187, MONDO:0011102, OMIM 601543.

Allele frequency attached by ClinVar (database versions not stated): gnomAD exomes 0.01782; ExAC 0.02014; gnomAD 0.03784 and 0.03926; ESP Exome Variant Server 0.04099; 1000 Genomes Project 0.04133; TOPMed 0.04273; 1000 Genomes Project 30x 0.04372.
gnomAD v4.1: 23,863 of 1,613,160 alleles (1.5%); highest among the groups gnomAD compares: African/African-American, 11%; 624 homozygotes.

Submissions (8):

Labcorp Genetics (formerly Invitae), Labcorp
Classification: Benign. Last evaluated: 2026-02-01. Review status: criteria provided, single submitter. Criteria: Invitae Variant Classification Sherloc (09022015). Collection method: clinical testing. Allele origin: germline.

Athena Diagnostics
Classification: Benign. Last evaluated: 2018-11-12. Review status: criteria provided, single submitter. Criteria: Athena Diagnostics Criteria. Collection method: clinical testing. Allele origin: germline.

Illumina Laboratory Services, Illumina
Classification: Likely benign for Autosomal recessive nonsyndromic hearing loss 21. Last evaluated: 2018-01-13. Review status: criteria provided, single submitter. Criteria: ICSL Variant Classification Criteria 13 December 2019. Collection method: clinical testing. Allele origin: germline.
Comment: This variant was observed in the ICSL laboratory as part of a predisposition screen in an ostensibly healthy population. It had not been previously curated by ICSL or reported in the Human Gene Mutation Database (HGMD: prior to June 1st, 2018), and was therefore a candidate for classification through an automated scoring system. Utilizing variant allele frequency, disease prevalence and penetrance estimates, and inheritance mode, an automated score was calculated to assess if this variant is too frequent to cause the disease. Based on the score and internal cut-off values, a variant classified as likely benign is not then subjected to further curation. The score for this variant resulted in a classification of likely benign for this disease.

Illumina Laboratory Services, Illumina
Classification: Benign for Autosomal dominant nonsyndromic hearing loss 12. Last evaluated: 2018-01-13. Review status: criteria provided, single submitter. Criteria: ICSL Variant Classification Criteria 13 December 2019. Collection method: clinical testing. Allele origin: germline.
Comment: This variant was observed in the ICSL laboratory as part of a predisposition screen in an ostensibly healthy population. It had not been previously curated by ICSL or reported in the Human Gene Mutation Database (HGMD: prior to June 1st, 2018), and was therefore a candidate for classification through an automated scoring system. Utilizing variant allele frequency, disease prevalence and penetrance estimates, and inheritance mode, an automated score was calculated to assess if this variant is too frequent to cause the disease. Based on the score and internal cut-off values, a variant classified as benign is not then subjected to further curation. The score for this variant resulted in a classification of benign for this disease.

GeneDx
Classification: Benign. Last evaluated: 2017-10-23. Review status: criteria provided, single submitter. Criteria: GeneDx Variant Classification (06012015). Collection method: clinical testing. Allele origin: germline. Affected: yes.
Comment: This variant is considered likely benign or benign based on one or more of the following criteria: it is a conservative change, it occurs at a poorly conserved position in the protein, it is predicted to be benign by multiple in silico algorithms, and/or has population frequency not consistent with disease.

Laboratory for Molecular Medicine, Mass General Brigham Personalized Medicine
Classification: Benign. Last evaluated: 2012-05-07. Review status: criteria provided, single submitter. Criteria: LMM Criteria. Collection method: clinical testing. Allele origin: germline. Observed: 75 variant alleles.
Comment: Gln19Arg in Exon 01 of TECTA: This variant is not expected to have clinical sign ificance because it has been identified in 10.3% (386/3738) of African American chromosomes from a broad population by the NHLBI Exome Sequencing Project (dbSNP rs35507522).

Breakthrough Genomics
Classification: Likely benign. Review status: criteria provided, single submitter. Criteria: ACMG Guidelines, 2015. Collection method: not provided. Allele origin: germline. Inheritance: Autosomal recessive inheritance. Affected: yes.

PreventionGenetics, part of Exact Sciences
Classification: Benign. Review status: criteria provided, single submitter. Criteria: ACMG Guidelines, 2015. Collection method: clinical testing. Allele origin: germline.